The following is an entry in ClinVar:

ClinVar aggregate classification (germline): Uncertain significance (1 of 4 stars; one submission).

Submission:

Labcorp Genetics (formerly Invitae), Labcorp
Classification: Uncertain significance. Last evaluated: 2022-10-18. Review status: criteria provided, single submitter. Criteria: Invitae Variant Classification Sherloc (09022015). Collection method: clinical testing. Allele origin: germline.
Comment: This variant has not been reported in the literature in individuals affected with REST-related conditions. This sequence change replaces alanine, which is neutral and non-polar, with glycine, which is neutral and non-polar, at codon 892 of the REST protein (p.Ala892Gly). This variant is not present in population databases (gnomAD no frequency). Algorithms developed to predict the effect of missense changes on protein structure and function output the following: SIFT: "Tolerated"; PolyPhen-2: "Benign"; Align-GVGD: "Class C0". The glycine amino acid residue is found in multiple mammalian species, which suggests that this missense change does not adversely affect protein function. In summary, the available evidence is currently insufficient to determine the role of this variant in disease. Therefore, it has been classified as a Variant of Uncertain Significance.

NM_005612.5(REST):c.2675C>G (p.Ala892Gly)

Gene: REST (RE1 silencing transcription factor; plus strand). Cytogenetic location: 4q12.
Variant type: single nucleotide variant.
Coding change: c.2675C>G on transcript NM_005612.5 (MANE Select); coding-DNA position 2675, C replaced by G.
Protein change: p.Ala892Gly; replaces alanine 892 with glycine.
Molecular consequence: missense variant.
Genome position (GRCh38, 1-based): chr4:56,931,533, C>G. VCF-style: chr4-56931533-C-G. GRCh37 (hg19) VCF-style: chr4-57797699-C-G.
Other names: c.2675C>G, p.Ala892Gly (NM_001193508.2, NM_001363453.3); short protein forms A892G.
Identifiers: ClinVar variation 2414799 (VCV002414799.6), dbSNP rs2475853939, ClinGen allele CA357009303.